The following is an entry in ClinVar:

NM_000178.4(GSS):c.1253G>A (p.Arg418Gln)

Gene: GSS (glutathione synthetase; minus strand). Cytogenetic location: 20q11.22.
Variant type: single nucleotide variant.
Coding change: c.1253G>A on transcript NM_000178.4 (MANE Select); coding-DNA position 1253, G replaced by A.
Protein change: p.Arg418Gln; replaces arginine 418 with glutamine.
Molecular consequence: missense variant.
Genome position (GRCh38, 1-based): chr20:34,929,449, C>T on the plus strand (G>A on the coding strand, the complement: GSS is on the minus strand). VCF-style: chr20-34929449-C-T. GRCh37 (hg19) VCF-style: chr20-33517252-C-T.
Other names: c.1253G>A, p.Arg418Gln (LRG_1168t1, NM_001322494.1, NM_001322495.1); short protein forms R418Q.
Identifiers: ClinVar variation 338294 (VCV000338294.29), dbSNP rs150141794, ClinGen allele CA9825832.

ClinVar aggregate classification (germline): Conflicting classifications of pathogenicity. Review status: criteria provided, conflicting classifications (1 of 4 stars). 5 submissions from 5 submitters: Uncertain significance (1); Likely benign (4). Last evaluated 2026-01-28.

Conditions:
Inherited glutathione synthetase deficiency. Identifiers: Orphanet 32, MedGen C5979912, MONDO:0017909.
Glutathione synthetase deficiency with 5-oxoprolinuria. Also called: 5-OXOPROLINURIA DUE TO GLUTATHIONE SYNTHETASE DEFICIENCY; Reduced glutathione synthetase level; PYROGLUTAMIC ACIDURIA; 5-Oxoprolinuria; Gluthathione synthetase deficiency. Identifiers: Orphanet 289846, MedGen C0398746, MONDO:0009947, OMIM 266130, HP:0003343.

Allele frequency attached by ClinVar (database versions not stated): 1000 Genomes Project 30x 0.00031; 1000 Genomes Project 0.00040; TOPMed 0.00066; gnomAD 0.00081 and 0.00084; ESP Exome Variant Server 0.00085; gnomAD exomes 0.00113 and 0.00115; ExAC 0.00163.
gnomAD v4.1: 1,749 of 1,614,164 alleles (0.11%); highest among the groups gnomAD compares: Non-Finnish European, 0.13%; 2 homozygotes.

Submissions (5):

Labcorp Genetics (formerly Invitae), Labcorp
Classification: Likely benign for Glutathione synthetase deficiency with 5-oxoprolinuria. Last evaluated: 2026-01-28. Review status: criteria provided, single submitter. Criteria: Invitae Variant Classification Sherloc (09022015). Collection method: clinical testing. Allele origin: germline.

Blueprint Genetics
Classification: Likely benign. Last evaluated: 2024-10-17. Review status: criteria provided, single submitter. Criteria: ACMG Guidelines, 2015. Collection method: clinical testing. Allele origin: germline.

ARUP Laboratories, Molecular Genetics and Genomics, ARUP Laboratories
Classification: Likely benign. Last evaluated: 2024-04-25. Review status: criteria provided, single submitter. Criteria: ARUP Molecular Germline Variant Investigation Process 2024. Collection method: clinical testing. Allele origin: germline.

Mayo Clinic Laboratories, Mayo Clinic
Classification: Uncertain significance. Last evaluated: 2019-09-26. Review status: criteria provided, single submitter. Criteria: ACMG Guidelines, 2015. Collection method: clinical testing. Allele origin: germline. Observed: 1 variant allele.

Illumina Laboratory Services, Illumina
Classification: Likely benign for Glutathione synthetase deficiency with 5-oxoprolinuria. Last evaluated: 2018-01-12. Review status: criteria provided, single submitter. Criteria: ICSL Variant Classification Criteria 13 December 2019. Collection method: clinical testing. Allele origin: germline.
Comment: This variant was observed in the ICSL laboratory as part of a predisposition screen in an ostensibly healthy population. It had not been previously curated by ICSL or reported in the Human Gene Mutation Database (HGMD: prior to June 1st, 2018), and was therefore a candidate for classification through an automated scoring system. Utilizing variant allele frequency, disease prevalence and penetrance estimates, and inheritance mode, an automated score was calculated to assess if this variant is too frequent to cause the disease. Based on the score and internal cut-off values, a variant classified as likely benign is not then subjected to further curation. The score for this variant resulted in a classification of likely benign for this disease.